The following is an entry in ClinVar:

ClinVar aggregate classification (germline): Pathogenic (1 of 4 stars; one submission).

Conditions:
Leber congenital amaurosis 1 (LCA1). Also called: RETINAL BLINDNESS, CONGENITAL; Congenital absence of the rods and cones; Leber's congenital tapetoretinal degeneration; Leber's congenital tapetoretinal dysplasia; AMAUROSIS CONGENITA OF LEBER I. Identifiers: Orphanet 65, MedGen C2931258, MONDO:0008764, OMIM 204000.
Cone-rod dystrophy 6 (CORD6). Also called: RETINAL CONE DYSTROPHY 2; Cone dystrophy progressive. Identifiers: Orphanet 1872, MedGen C1866293, MONDO:0011143, OMIM 601777.

Allele frequency attached by ClinVar (database versions not stated): gnomAD exomes below 0.00001; TOPMed 0.00001.
gnomAD v4.1: 5 of 1,613,942 alleles (0.00031%); highest among the groups gnomAD compares: South Asian, 0.0011%; no homozygotes.

Submission:

Labcorp Genetics (formerly Invitae), Labcorp
Classification: Pathogenic for Leber congenital amaurosis 1; Cone-rod dystrophy 6. Last evaluated: 2023-06-07. Review status: criteria provided, single submitter. Criteria: Invitae Variant Classification Sherloc (09022015). Collection method: clinical testing. Allele origin: germline.
Comment: For these reasons, this variant has been classified as Pathogenic. This premature translational stop signal has been observed in individual(s) with clinical features of leber congenital amaurosis (PMID: 24265693). This variant is present in population databases (rs61750164, gnomAD 0.003%). This sequence change creates a premature translational stop signal (p.Gln694*) in the GUCY2D gene. It is expected to result in an absent or disrupted protein product. Loss-of-function variants in GUCY2D are known to be pathogenic (PMID: 10951519, 11328726).

Literature cited by the submitters: PubMed 24265693; PubMed 10951519; PubMed 11328726.

NM_000180.4(GUCY2D):c.2080C>T (p.Gln694Ter)

Gene: GUCY2D (guanylate cyclase 2D, retinal; plus strand). Cytogenetic location: 17p13.1.
Variant type: single nucleotide variant.
Coding change: c.2080C>T on transcript NM_000180.4 (MANE Select); coding-DNA position 2080, C replaced by T.
Protein change: p.Gln694Ter; replaces glutamine 694 with a stop codon.
Molecular consequence: nonsense.
Genome position (GRCh38, 1-based): chr17:8,012,573, C>T. VCF-style: chr17-8012573-C-T. GRCh37 (hg19) VCF-style: chr17-7915891-C-T.
Other names: short protein forms Q694*.
Identifiers: ClinVar variation 2925605 (VCV002925605.3), dbSNP rs61750164, ClinGen allele CA8365985.
Genomic context (GRCh38, chr17:8,012,573, plus strand): 5'-GTGGATGGCAGATTCGTACTCAAGATCACTGACCACGGCCACGGGAGACTGCTGGAAGCA[C>T]AGAAGGTGCTACCGGAGCCTCCCAGAGCGGAGGGTAAGAGTCCCCTGTGCAGACGAGGAT-3'